The following is an entry in ClinVar:

ClinVar aggregate classification (germline): Uncertain significance. Review status: criteria provided, multiple submitters, no conflicts (2 of 4 stars). 3 submissions from 3 submitters: Uncertain significance (2). 1 of the submissions does not count toward it. Last evaluated 2024-12-14.

Conditions:
McKusick-Kaufman syndrome (MKKS). Also called: HYDROMETROCOLPOS SYNDROME; HYDROMETROCOLPOS, POSTAXIAL POLYDACTYLY, AND CONGENITAL HEART MALFORMATION. Identifiers: Orphanet 2473, MedGen C0948368, MONDO:0009367, OMIM 236700.
Bardet-Biedl syndrome (BBS). Identifiers: Orphanet 110, MedGen C0752166, MONDO:0015229.
Inborn genetic diseases. Identifiers: MedGen C0950123, MeSH D030342.
MKKS-related disorder. Also called: MKKS-related condition; MKKS-related disorders.

Allele frequency attached by ClinVar (database versions not stated): ExAC 0.00001.
gnomAD v4.1: 15 of 1,614,192 alleles (0.00093%); highest among the groups gnomAD compares: Non-Finnish European, 0.0012%; no homozygotes.

Submissions (3):

Ambry Genetics
Classification: Uncertain significance for Inborn genetic diseases. Last evaluated: 2024-12-14. Review status: criteria provided, single submitter. Criteria: Ambry Variant Classification Scheme 2023. Collection method: clinical testing. Allele origin: germline.

Labcorp Genetics (formerly Invitae), Labcorp
Classification: Uncertain significance for McKusick-Kaufman syndrome; Bardet-Biedl syndrome. Last evaluated: 2022-07-13. Review status: criteria provided, single submitter. Criteria: Invitae Variant Classification Sherloc (09022015). Collection method: clinical testing. Allele origin: germline.
Comment: This sequence change replaces asparagine, which is neutral and polar, with serine, which is neutral and polar, at codon 101 of the MKKS protein (p.Asn101Ser). This variant is present in population databases (rs776936558, gnomAD 0.002%). This variant has not been reported in the literature in individuals affected with MKKS-related conditions. Algorithms developed to predict the effect of missense changes on protein structure and function (SIFT, PolyPhen-2, Align-GVGD) all suggest that this variant is likely to be tolerated. In summary, the available evidence is currently insufficient to determine the role of this variant in disease. Therefore, it has been classified as a Variant of Uncertain Significance.

PreventionGenetics, part of Exact Sciences
Classification: Uncertain significance for MKKS-related condition. Last evaluated: 2024-06-08. Review status: no assertion criteria provided. Collection method: clinical testing. Allele origin: germline. Not counted in ClinVar's aggregate classification.
Comment: The MKKS c.302A>G variant is predicted to result in the amino acid substitution p.Asn101Ser. To our knowledge, this variant has not been reported in the literature. This variant is reported in 0.0018% of alleles in individuals of European (Non-Finnish) descent in gnomAD. At this time, the clinical significance of this variant is uncertain due to the absence of conclusive functional and genetic evidence.

NM_170784.3(MKKS):c.302A>G (p.Asn101Ser)

Gene: MKKS (MKKS centrosomal shuttling protein; minus strand). Cytogenetic location: 20p12.2.
Variant type: single nucleotide variant.
Coding change: c.302A>G on transcript NM_170784.3 (MANE Select); coding-DNA position 302, A replaced by G.
Protein change: p.Asn101Ser; replaces asparagine 101 with serine.
Molecular consequence: missense variant.
Genome position (GRCh38, 1-based): chr20:10,413,213, T>C on the plus strand (A>G on the coding strand, the complement: MKKS is on the minus strand). VCF-style: chr20-10413213-T-C. GRCh37 (hg19) VCF-style: chr20-10393861-T-C.
Other names: c.302A>G (NM_018848.2); c.302A>G, p.Asn101Ser (NM_018848.3); short protein forms N101S.
Identifiers: ClinVar variation 2138918 (VCV002138918.3), dbSNP rs776936558, ClinGen allele CA9763709.